The following is an entry in ClinVar:

NM_012431.3(SEMA3E):c.2012A>G (p.Glu671Gly)

Gene: SEMA3E (semaphorin 3E; minus strand). Cytogenetic location: 7q21.11.
Variant type: single nucleotide variant.
Coding change: c.2012A>G on transcript NM_012431.3 (MANE Select); coding-DNA position 2012, A replaced by G.
Protein change: p.Glu671Gly; replaces glutamic acid 671 with glycine.
Molecular consequence: missense variant.
Genome position (GRCh38, 1-based): chr7:83,367,902, T>C on the plus strand (A>G on the coding strand, the complement: SEMA3E is on the minus strand). VCF-style: chr7-83367902-T-C. GRCh37 (hg19) VCF-style: chr7-82997218-T-C.
Other names: c.1832A>G, p.Glu611Gly (NM_001178129.2); short protein forms E611G, E671G.
Identifiers: ClinVar variation 3353995 (VCV003353995.1).

ClinVar aggregate classification (germline): Uncertain significance (0 of 4 stars; one submission).

Conditions:
SEMA3E-related disorder. Also called: SEMA3E-related condition.

Submission:

PreventionGenetics, part of Exact Sciences
Classification: Uncertain significance for SEMA3E-related condition. Last evaluated: 2024-07-25. Review status: no assertion criteria provided. Collection method: clinical testing. Allele origin: germline.
Comment: The SEMA3E c.2012A>G variant is predicted to result in the amino acid substitution p.Glu671Gly. To our knowledge, this variant has not been reported in the literature or in a large population database, indicating this variant is rare. At this time, the clinical significance of this variant is uncertain due to the absence of conclusive functional and genetic evidence.